The following is an entry in ClinVar:

ClinVar aggregate classification (germline): Uncertain significance. Review status: criteria provided, multiple submitters, no conflicts (2 of 4 stars). 2 submissions from 2 submitters: Uncertain significance (2). Last evaluated 2024-01-22.

Conditions:
Muscular dystrophy-dystroglycanopathy (congenital with impaired intellectual development), type B, 2. Also called: MUSCULAR DYSTROPHY, CONGENITAL, POMT2-RELATED; Muscular dystrophy-dystroglycanopathy (congenital with intellectual disability), type B2. Identifiers: MedGen C3150416, MONDO:0013160, OMIM 613156.
Muscular dystrophy-dystroglycanopathy (congenital with brain and eye anomalies), type A2. Also called: MUSCULAR DYSTROPHY-DYSTROGLYCANOPATHY (CONGENITAL WITH BRAIN AND EYE ANOMALIES), TYPE A, 2; WALKER-WARBURG SYNDROME OR MUSCLE-EYE-BRAIN DISEASE, POMT2-RELATED. Identifiers: Orphanet 588, Orphanet 899, MedGen C3150411, MONDO:0013154, OMIM 613150.
Autosomal recessive limb-girdle muscular dystrophy type 2N. Also called: MUSCULAR DYSTROPHY-DYSTROGLYCANOPATHY, LIMB-GIRDLE, POMT2-RELATED; Muscular dystrophy-dystroglycanopathy (limb-girdle), type C, 2. Identifiers: Orphanet 206559, MedGen C3150418, MONDO:0013162, OMIM 613158.

Allele frequency attached by ClinVar (database versions not stated): ExAC 0.00001; gnomAD exomes 0.00001.
gnomAD v4.1: 19 of 1,611,272 alleles (0.0012%); highest among the groups gnomAD compares: Non-Finnish European, 0.0015%; no homozygotes.

Submissions (2):

Labcorp Genetics (formerly Invitae), Labcorp
Classification: Uncertain significance for Muscular dystrophy-dystroglycanopathy (congenital with impaired intellectual development), type B, 2; Muscular dystrophy-dystroglycanopathy (congenital with brain and eye anomalies), type A2; Autosomal recessive limb-girdle muscular dystrophy type 2N. Last evaluated: 2024-01-22. Review status: criteria provided, single submitter. Criteria: Invitae Variant Classification Sherloc (09022015). Collection method: clinical testing. Allele origin: germline.
Comment: This sequence change replaces histidine, which is basic and polar, with proline, which is neutral and non-polar, at codon 546 of the POMT2 protein (p.His546Pro). This variant is present in population databases (rs201487818, gnomAD 0.0008%). This missense change has been observed in individual(s) with POMT2-related conditions (PMID: 30060766, 32528171). ClinVar contains an entry for this variant (Variation ID: 2043077). Advanced modeling of protein sequence and biophysical properties (such as structural, functional, and spatial information, amino acid conservation, physicochemical variation, residue mobility, and thermodynamic stability) performed at Invitae indicates that this missense variant is expected to disrupt POMT2 protein function with a positive predictive value of 80%. In summary, the available evidence is currently insufficient to determine the role of this variant in disease. Therefore, it has been classified as a Variant of Uncertain Significance.

Women's Health and Genetics/Laboratory Corporation of America, LabCorp
Classification: Uncertain significance. Last evaluated: 2023-10-16. Review status: criteria provided, single submitter. Criteria: LabCorp Variant Classification Summary - May 2015. Collection method: clinical testing. Allele origin: germline.
Comment: Variant summary: POMT2 c.1637A>C (p.His546Pro) results in a non-conservative amino acid change located in the Protein O-mannosyl-transferase, C-terminal four TM domain (IPR032421) of the encoded protein sequence. Five of five in-silico tools predict a damaging effect of the variant on protein function. The variant allele was found at a frequency of 1.2e-05 in 251486 control chromosomes (gnomAD). The available data on variant occurrences in the general population are insufficient to allow any conclusion about variant significance. c.1637A>C has been reported in the literature in individuals affected with Limb-Girdle Muscular Dystrophy, Autosomal Recessive (example: Ostergaard_2018, Johnson_2018). These report(s) do not provide unequivocal conclusions about association of the variant with Limb-Girdle Muscular Dystrophy, Autosomal Recessive. To our knowledge, no experimental evidence demonstrating an impact on protein function has been reported. The following publications have been ascertained in the context of this evaluation (PMID: 30060766, 29175898, 32528171). One submitter has cited clinical-significance assessments for this variant to ClinVar after 2014 and has classified the variant as uncertain significance. Based on the evidence outlined above, the variant was classified as uncertain significance.

Literature cited by the submitters: PubMed 30060766 (cited by Labcorp Genetics (formerly Invitae), Labcorp and Women's Health and Genetics/Laboratory Corporation of America, LabCorp); PubMed 32528171 (cited by Labcorp Genetics (formerly Invitae), Labcorp and Women's Health and Genetics/Laboratory Corporation of America, LabCorp); PubMed 29175898 (cited by Women's Health and Genetics/Laboratory Corporation of America, LabCorp).

NM_013382.7(POMT2):c.1637A>C (p.His546Pro)

Gene: POMT2 (protein O-mannosyltransferase 2; minus strand). Cytogenetic location: 14q24.3.
Variant type: single nucleotide variant.
Coding change: c.1637A>C on transcript NM_013382.7 (MANE Select); coding-DNA position 1637, A replaced by C.
Protein change: p.His546Pro; replaces histidine 546 with proline.
Molecular consequence: missense variant.
Genome position (GRCh38, 1-based): chr14:77,283,813, T>G on the plus strand (A>C on the coding strand, the complement: POMT2 is on the minus strand). VCF-style: chr14-77283813-T-G. GRCh37 (hg19) VCF-style: chr14-77750156-T-G.
Other names: short protein forms H546P.
Identifiers: ClinVar variation 2043077 (VCV002043077.3), dbSNP rs201487818, ClinGen allele CA7285789.